The following is an entry in ClinVar:

NM_000393.5(COL5A2):c.2980A>T (p.Ile994Phe)

Gene: COL5A2 (collagen type V alpha 2 chain; minus strand). Cytogenetic location: 2q32.2.
Variant type: single nucleotide variant.
Coding change: c.2980A>T on transcript NM_000393.5 (MANE Select); coding-DNA position 2980, A replaced by T.
Protein change: p.Ile994Phe; replaces isoleucine 994 with phenylalanine.
Molecular consequence: missense variant.
Genome position (GRCh38, 1-based): chr2:189,050,628, T>A on the plus strand (A>T on the coding strand, the complement: COL5A2 is on the minus strand). VCF-style: chr2-189050628-T-A. GRCh37 (hg19) VCF-style: chr2-189915354-T-A.
Other names: short protein forms I994F.
Identifiers: ClinVar variation 2131186 (VCV002131186.4), dbSNP rs1007365259, ClinGen allele CA349867074.

ClinVar aggregate classification (germline): Uncertain significance (1 of 4 stars; one submission).

Conditions:
Ehlers-Danlos syndrome, classic type, 1 (EDSCL1). Also called: Ehlers-Danlos Syndrome, Classic Type, COL5A1-Related; EHLERS-DANLOS SYNDROME, GRAVIS TYPE; EHLERS-DANLOS SYNDROME, SEVERE CLASSIC TYPE; Ehlers-Danlos syndrome, type 1; EDS I. Identifiers: MedGen C0268335, MONDO:0019567, OMIM 130000.

Submission:

Labcorp Genetics (formerly Invitae), Labcorp
Classification: Uncertain significance for Ehlers-Danlos syndrome, classic type, 1. Last evaluated: 2022-04-28. Review status: criteria provided, single submitter. Criteria: Invitae Variant Classification Sherloc (09022015). Collection method: clinical testing. Allele origin: germline.
Comment: This sequence change replaces isoleucine, which is neutral and non-polar, with phenylalanine, which is neutral and non-polar, at codon 994 of the COL5A2 protein (p.Ile994Phe). This variant is not present in population databases (gnomAD no frequency). This variant has not been reported in the literature in individuals affected with COL5A2-related conditions. Advanced modeling of protein sequence and biophysical properties (such as structural, functional, and spatial information, amino acid conservation, physicochemical variation, residue mobility, and thermodynamic stability) performed at Invitae indicates that this missense variant is not expected to disrupt COL5A2 protein function. In summary, the available evidence is currently insufficient to determine the role of this variant in disease. Therefore, it has been classified as a Variant of Uncertain Significance.